The following is an entry in ClinVar:

ClinVar aggregate classification (germline): Pathogenic/Likely pathogenic. Review status: criteria provided, multiple submitters, no conflicts (2 of 4 stars). 3 submissions from 3 submitters: Pathogenic (1); Likely pathogenic (1). 1 of the submissions does not count toward it. Last evaluated 2026-01-28.

Conditions:
PSEN1-related disorder. Also called: PSEN1-related condition.
Alzheimer disease 3 (AD3). Also called: ALZHEIMER DISEASE, FAMILIAL, 3. Identifiers: Orphanet 1020, MedGen C1843013, MONDO:0011913, OMIM 607822.

Submissions (3):

Victorian Clinical Genetics Services, Murdoch Childrens Research Institute
Classification: Pathogenic for Alzheimer disease 3. Last evaluated: 2026-01-28. Review status: criteria provided, single submitter. Criteria: ACMG Guidelines, 2015. Collection method: clinical testing. Allele origin: germline. Affected: no.
Comment: This variant is classified as Pathogenic. Evidence in support of pathogenic classification: Variant is absent from gnomAD (v2, v3 and v4); This variant has strong previous evidence of pathogenicity in unrelated individuals. This variant has been reported in five unrelated individuals with familial Alzheimer disease (PMIDs: 10208579, 20008660, 20802216, 34603009, 33769986); Other missense variants comparable to the one identified in this case have moderate previous evidence for pathogenicity. p.(Leu219Phe) and p.(Leu219Arg) have been reported in individuals with familial Alzheimer disease (PMIDs: 16267640, 23638752); Missense variant predicted to be damaging by in silico tool(s) or highly conserved with a major amino acid change. Additional information: Variant is predicted to result in a missense amino acid change from leucine to proline; This variant is heterozygous; This gene is associated with autosomal dominant disease; Alternative amino acid change(s) at the same position are present in gnomAD (highest allele count: v4: 1 heterozygote(s), 0 homozygote(s)); Functional evidence for this variant is inconclusive. Digital qPCR performed on post-mortem brains from individuals with early-onset Alzheimer disease carrying this variant demonstrated increased amounts of the mutant transcript and severely reduced amounts of the WT transcript compared with healthy control brains. However, functional studies were not perform to determine if WT protein function was affected (PMID: 32588886); Variant is located in the annotated Presenilin domain (DECIPHER); Dominant negative is a likely mechanism of disease in this gene and is associated with Alzheimer disease (PMIDs: 27930341, 28082723, 29142009); Inheritance information for this variant is not currently available in this individual.

Blueprint Genetics
Classification: Likely pathogenic for PSEN1-related disorders. Last evaluated: 2024-11-14. Review status: criteria provided, single submitter. Criteria: ACMG Guidelines, 2015. Collection method: clinical testing. Allele origin: germline. Affected: yes. Observed: 5 variant alleles.

VIB  Department of Molecular Genetics, University of Antwerp
No classification provided. Review status: no classification provided. Collection method: not provided. Allele origin: not provided. Not counted in ClinVar's aggregate classification.

Literature cited by the submitters: PubMed 20802216 (cited by Victorian Clinical Genetics Services, Murdoch Childrens Research Institute); PubMed 33769986 (cited by Victorian Clinical Genetics Services, Murdoch Childrens Research Institute); PubMed 34603009 (cited by Victorian Clinical Genetics Services, Murdoch Childrens Research Institute); PubMed 32588886 (cited by Victorian Clinical Genetics Services, Murdoch Childrens Research Institute); PubMed 28082723 (cited by Victorian Clinical Genetics Services, Murdoch Childrens Research Institute); PubMed 27930341 (cited by Victorian Clinical Genetics Services, Murdoch Childrens Research Institute); PubMed 29142009 (cited by Victorian Clinical Genetics Services, Murdoch Childrens Research Institute); PubMed 23638752 (cited by Victorian Clinical Genetics Services, Murdoch Childrens Research Institute); PubMed 10208579 (cited by Victorian Clinical Genetics Services, Murdoch Childrens Research Institute); PubMed 20008660 (cited by Victorian Clinical Genetics Services, Murdoch Childrens Research Institute); PubMed 16267640 (cited by Victorian Clinical Genetics Services, Murdoch Childrens Research Institute).

NM_000021.4(PSEN1):c.656T>C (p.Leu219Pro)

Gene: PSEN1 (presenilin 1; plus strand). Cytogenetic location: 14q24.2.
Variant type: single nucleotide variant.
Coding change: c.656T>C on transcript NM_000021.4 (MANE Select); coding-DNA position 656, T replaced by C.
Protein change: p.Leu219Pro; replaces leucine 219 with proline.
Molecular consequence: missense variant.
Genome position (GRCh38, 1-based): chr14:73,192,751, T>C. VCF-style: chr14-73192751-T-C. GRCh37 (hg19) VCF-style: chr14-73659459-T-C.
Other names: c.644T>C, p.Leu215Pro (NM_007318.3); short protein forms L219P, L215P.
Identifiers: ClinVar variation 98059 (VCV000098059.6), dbSNP rs63750761, ClinGen allele CA225079.